The following is an entry in ClinVar:

NM_000550.3(TYRP1):c.733T>C (p.Ser245Pro)

Gene: TYRP1 (tyrosinase related protein 1; plus strand). Cytogenetic location: 9p23.
Variant type: single nucleotide variant.
Coding change: c.733T>C on transcript NM_000550.3 (MANE Select); coding-DNA position 733, T replaced by C.
Protein change: p.Ser245Pro; replaces serine 245 with proline.
Molecular consequence: missense variant.
Genome position (GRCh38, 1-based): chr9:12,698,475, T>C. VCF-style: chr9-12698475-T-C. GRCh37 (hg19) VCF-style: chr9-12698475-T-C.
Other names: c.733T>C (NM_000550.2); short protein forms S245P.
Identifiers: ClinVar variation 1417848 (VCV001417848.9), dbSNP rs1818112324, ClinGen allele CA372939329.

ClinVar aggregate classification (germline): Uncertain significance. Review status: criteria provided, multiple submitters, no conflicts (2 of 4 stars). 2 submissions from 2 submitters: Uncertain significance (2). Last evaluated 2025-08-12.

Allele frequency attached by ClinVar (database versions not stated): TOPMed below 0.00001; gnomAD exomes below 0.00001.
gnomAD v4.1: 3 of 1,613,722 alleles (0.00019%); highest among the groups gnomAD compares: African/African-American, 0.0027%; no homozygotes.

Submissions (2):

GeneDx
Classification: Uncertain significance. Last evaluated: 2025-08-12. Review status: criteria provided, single submitter. Criteria: GeneDx Variant Classification Process June 2021. Collection method: clinical testing. Allele origin: germline. Affected: yes.
Comment: Not observed at significant frequency in large population cohorts (gnomAD); In silico analysis suggests that this missense variant does not alter protein structure/function; Has not been previously published as pathogenic or benign to our knowledge

Labcorp Genetics (formerly Invitae), Labcorp
Classification: Uncertain significance. Last evaluated: 2022-06-20. Review status: criteria provided, single submitter. Criteria: Invitae Variant Classification Sherloc (09022015). Collection method: clinical testing. Allele origin: germline.
Comment: In summary, the available evidence is currently insufficient to determine the role of this variant in disease. Therefore, it has been classified as a Variant of Uncertain Significance. Algorithms developed to predict the effect of missense changes on protein structure and function are either unavailable or do not agree on the potential impact of this missense change (SIFT: "Tolerated"; PolyPhen-2: "Possibly Damaging"; Align-GVGD: "Class C0"). This variant has not been reported in the literature in individuals affected with TYRP1-related conditions. This variant is not present in population databases (gnomAD no frequency). This sequence change replaces serine, which is neutral and polar, with proline, which is neutral and non-polar, at codon 245 of the TYRP1 protein (p.Ser245Pro).